The following is an entry in ClinVar:

ClinVar aggregate classification (germline): Uncertain significance. Review status: criteria provided, multiple submitters, no conflicts (2 of 4 stars). 2 submissions from 2 submitters: Uncertain significance (2). Last evaluated 2025-03-16.

Conditions:
Cystic fibrosis (CF). Also called: MUCOVISCIDOSIS. Identifiers: Orphanet 586, MedGen C0010674, MONDO:0009061, OMIM 219700. Disease mechanism: loss of function.

Allele frequency attached by ClinVar (database versions not stated): gnomAD exomes below 0.00001; gnomAD 0.00001; TOPMed 0.00003; ExAC 0.00005.
gnomAD v4.1: 8 of 1,529,854 alleles (0.00052%); highest among the groups gnomAD compares: East Asian, 0.016%; no homozygotes.

Submissions (2):

Labcorp Genetics (formerly Invitae), Labcorp
Classification: Uncertain significance for Cystic fibrosis. Last evaluated: 2025-03-16. Review status: criteria provided, single submitter. Criteria: Invitae Variant Classification Sherloc (09022015). Collection method: clinical testing. Allele origin: germline.
Comment: This sequence change replaces isoleucine, which is neutral and non-polar, with valine, which is neutral and non-polar, at codon 783 of the CFTR protein (p.Ile783Val). This variant is present in population databases (rs773328681, gnomAD 0.05%). This variant has not been reported in the literature in individuals affected with CFTR-related conditions. ClinVar contains an entry for this variant (Variation ID: 1789934). Invitae Evidence Modeling of protein sequence and biophysical properties (such as structural, functional, and spatial information, amino acid conservation, physicochemical variation, residue mobility, and thermodynamic stability) indicates that this missense variant is not expected to disrupt CFTR protein function with a negative predictive value of 80%. In summary, the available evidence is currently insufficient to determine the role of this variant in disease. Therefore, it has been classified as a Variant of Uncertain Significance.

Ambry Genetics
Classification: Uncertain significance for Cystic fibrosis. Last evaluated: 2024-03-04. Review status: criteria provided, single submitter. Criteria: Ambry Variant Classification Scheme 2023. Collection method: clinical testing. Allele origin: germline.
Comment: The p.I783V variant (also known as c.2347A>G), located in coding exon 14 of the CFTR gene, results from an A to G substitution at nucleotide position 2347. The isoleucine at codon 783 is replaced by valine, an amino acid with highly similar properties. This amino acid position is poorly conserved in available vertebrate species. In addition, this alteration is predicted to be tolerated by in silico analysis. Since supporting evidence is limited at this time, the clinical significance of this alteration remains unclear.

NM_000492.4(CFTR):c.2347A>G (p.Ile783Val)

Gene: CFTR (CF transmembrane conductance regulator; plus strand). Cytogenetic location: 7q31.2.
Variant type: single nucleotide variant.
Coding change: c.2347A>G on transcript NM_000492.4 (MANE Select); coding-DNA position 2347, A replaced by G.
Protein change: p.Ile783Val; replaces isoleucine 783 with valine.
Molecular consequence: missense variant.
Genome position (GRCh38, 1-based): chr7:117,592,514, A>G. VCF-style: chr7-117592514-A-G. GRCh37 (hg19) VCF-style: chr7-117232568-A-G.
Other names: short protein forms I783V.
Identifiers: ClinVar variation 1789934 (VCV001789934.6), dbSNP rs773328681, ClinGen allele CA4451173.